The following is an entry in ClinVar:

ClinVar aggregate classification (germline): Conflicting classifications of pathogenicity. Review status: criteria provided, conflicting classifications (1 of 4 stars). 9 submissions from 9 submitters: Likely pathogenic (1); Uncertain significance (2); Benign (2); Likely benign (4). Last evaluated 2025-12-01.

Conditions:
Optic nerve hypoplasia. Identifiers: MedGen C0338502, HP:0000609.
Inborn genetic diseases. Identifiers: MedGen C0950123, MeSH D030342.
COL4A2-related disorder. Also called: COL4A2-related disorders; COL4A2-related condition.
Brain small vessel disease 2A, autosomal dominant. Also called: Porencephaly 2. Identifiers: Orphanet 2940, Orphanet 99810, MedGen C3280970, MONDO:0013773, OMIM 614483.

Allele frequency attached by ClinVar (database versions not stated): gnomAD 0.00040 and 0.00043; TOPMed 0.00043; gnomAD exomes 0.00050 and 0.00076; ESP Exome Variant Server 0.00078.
gnomAD v4.1: 1,161 of 1,613,506 alleles (0.072%); highest among the groups gnomAD compares: Non-Finnish European, 0.093%; 3 homozygotes.

Submissions (9):

Labcorp Genetics (formerly Invitae), Labcorp
Classification: Likely benign. Last evaluated: 2025-12-01. Review status: criteria provided, single submitter. Criteria: Invitae Variant Classification Sherloc (09022015). Collection method: clinical testing. Allele origin: germline.

PreventionGenetics, part of Exact Sciences
Classification: Likely benign for COL4A2-related condition. Last evaluated: 2025-05-04. Review status: criteria provided, single submitter. Criteria: ACMG Guidelines, 2015. Collection method: clinical testing. Allele origin: germline.
Comment: This variant is classified as likely benign based on ACMG/AMP sequence variant interpretation guidelines (Richards et al. 2015 PMID: 25741868, with internal and published modifications).

Women's Health and Genetics/Laboratory Corporation of America, LabCorp
Classification: Benign. Last evaluated: 2023-11-17. Review status: criteria provided, single submitter. Criteria: LabCorp Variant Classification Summary - May 2015. Collection method: clinical testing. Allele origin: germline.
Comment: Variant summary: COL4A2 c.4987G>A (p.Gly1663Ser) results in a non-conservative amino acid change located in the collagen IV, non-collagenous domain (IPR001442) of the encoded protein sequence. Five of five in-silico tools predict a damaging effect of the variant on protein function. The variant allele was found at a frequency of 0.00072 in 1613506 control chromosomes (i.e. over 1100 individuals), including 3 homozygotes, and found predominantly at a frequency of 0.00093 within the Non-Finnish European subpopulation in the gnomAD database (v4.0). This data strongly suggests the variant is unlikely to be associated with a penetrant autosomal dominant condition and is instead a benign polymorphism found primarily in individuals of Non-Finish European ancestry. To our knowledge, no occurrence of c.4987G>A in individuals affected with Porencephaly 2 and no experimental evidence demonstrating its impact on protein function have been reported. Six submitters have cited clinical-significance assessments for this variant to ClinVar after 2014. Four submitters classified the variant as benign/likely benign and two classified it as uncertain significance. Based on the evidence outlined above, the variant was classified as benign.

CeGaT Center for Human Genetics Tuebingen
Classification: Uncertain significance. Last evaluated: 2022-10-01. Review status: criteria provided, single submitter. Criteria: CeGaT Center For Human Genetics Tuebingen Variant Classification Criteria Version 2. Collection method: clinical testing. Allele origin: germline. Affected: yes. Observed: 2 variant alleles.

Mendelics
Classification: Uncertain significance. Last evaluated: 2022-05-04. Review status: criteria provided, single submitter. Criteria: Mendelics Assertion Criteria 2019. Collection method: clinical testing. Allele origin: germline.

Ambry Genetics
Classification: Likely benign for Inborn genetic diseases. Last evaluated: 2022-01-19. Review status: criteria provided, single submitter. Criteria: Ambry Variant Classification Scheme 2023. Collection method: clinical testing. Allele origin: germline.

Institute of Human Genetics, University of Leipzig Medical Center
Classification: Likely benign for Brain small vessel disease 2A, autosomal dominant. Last evaluated: 2019-01-01. Review status: criteria provided, single submitter. Criteria: ACMG Guidelines, 2015. Collection method: clinical testing. Allele origin: unknown. Affected: yes.

Illumina Laboratory Services, Illumina
Classification: Benign for Brain small vessel disease 2A, autosomal dominant. Last evaluated: 2018-01-13. Review status: criteria provided, single submitter. Criteria: ICSL Variant Classification Criteria 13 December 2019. Collection method: clinical testing. Allele origin: germline.
Comment: This variant was observed in the ICSL laboratory as part of a predisposition screen in an ostensibly healthy population. It had not been previously curated by ICSL or reported in the Human Gene Mutation Database (HGMD: prior to June 1st, 2018), and was therefore a candidate for classification through an automated scoring system. Utilizing variant allele frequency, disease prevalence and penetrance estimates, and inheritance mode, an automated score was calculated to assess if this variant is too frequent to cause the disease. Based on the score and internal cut-off values, a variant classified as benign is not then subjected to further curation. The score for this variant resulted in a classification of benign for this disease.

Rare Disease Group, Clinical Genetics, Karolinska Institutet
Classification: Likely pathogenic for Optic nerve hypoplasia. Review status: criteria provided, single submitter. Criteria: ACMG Guidelines, 2015. Collection method: research. Allele origin: germline. Inheritance: Autosomal recessive inheritance. Affected: yes. Observed: 1 variant allele, 1 homozygote.

NM_001846.4(COL4A2):c.4987G>A (p.Gly1663Ser)

Gene: COL4A2 (collagen type IV alpha 2 chain; plus strand). Cytogenetic location: 13q34.
Variant type: single nucleotide variant.
Coding change: c.4987G>A on transcript NM_001846.4 (MANE Select); coding-DNA position 4987, G replaced by A.
Protein change: p.Gly1663Ser; replaces glycine 1663 with serine.
Molecular consequence: missense variant.
Genome position (GRCh38, 1-based): chr13:110,512,039, G>A. VCF-style: chr13-110512039-G-A. GRCh37 (hg19) VCF-style: chr13-111164386-G-A.
Other names: short protein forms G1663S.
Identifiers: ClinVar variation 311195 (VCV000311195.55), dbSNP rs12877501, ClinGen allele CA7050735.